The following is an entry in ClinVar:

ClinVar aggregate classification (germline): Benign. Review status: criteria provided, multiple submitters, no conflicts (2 of 4 stars). 9 submissions from 9 submitters: Benign (8). 1 of the submissions does not count toward it. Last evaluated 2026-06-01.

Conditions:
Nemaline myopathy 6 (NEM6). Also called: Nemaline myopathy 6, autosomal dominant. Identifiers: Orphanet 171439, MedGen C1836472, MONDO:0012237, OMIM 609273.

Allele frequency attached by ClinVar (database versions not stated): 1000 Genomes Project 0.00479; 1000 Genomes Project 30x 0.00484; TOPMed 0.00806; gnomAD 0.01029 and 0.01081; ESP Exome Variant Server 0.01062; ExAC 0.01130.
gnomAD v4.1: 20,122 of 1,607,256 alleles (1.3%); highest among the groups gnomAD compares: Non-Finnish European, 1.4%; 150 homozygotes.

Submissions (9):

CeGaT Center for Human Genetics Tuebingen
Classification: Benign. Last evaluated: 2026-06-01. Review status: criteria provided, single submitter. Criteria: CeGaT Center For Human Genetics Tuebingen Variant Classification Criteria Version 2. Collection method: clinical testing. Allele origin: germline. Affected: yes. Observed: 24 variant alleles.
Comment: KBTBD13: BS1, BS2

Labcorp Genetics (formerly Invitae), Labcorp
Classification: Benign for Nemaline myopathy 6. Last evaluated: 2026-02-01. Review status: criteria provided, single submitter. Criteria: Invitae Variant Classification Sherloc (09022015). Collection method: clinical testing. Allele origin: germline.

Athena Diagnostics
Classification: Benign. Last evaluated: 2019-03-06. Review status: criteria provided, single submitter. Criteria: Athena Diagnostics Criteria. Collection method: clinical testing. Allele origin: germline.

Mayo Clinic Laboratories, Mayo Clinic
Classification: Benign. Last evaluated: 2018-03-08. Review status: criteria provided, single submitter. Criteria: ACMG Guidelines, 2015. Collection method: clinical testing. Allele origin: germline. Observed: 12 variant alleles.

Illumina Laboratory Services, Illumina
Classification: Benign for Nemaline myopathy 6. Last evaluated: 2018-01-13. Review status: criteria provided, single submitter. Criteria: ICSL Variant Classification Criteria 13 December 2019. Collection method: clinical testing. Allele origin: germline.
Comment: This variant was observed in the ICSL laboratory as part of a predisposition screen in an ostensibly healthy population. It had not been previously curated by ICSL or reported in the Human Gene Mutation Database (HGMD: prior to June 1st, 2018), and was therefore a candidate for classification through an automated scoring system. Utilizing variant allele frequency, disease prevalence and penetrance estimates, and inheritance mode, an automated score was calculated to assess if this variant is too frequent to cause the disease. Based on the score and internal cut-off values, a variant classified as benign is not then subjected to further curation. The score for this variant resulted in a classification of benign for this disease.

GeneDx
Classification: Benign. Last evaluated: 2016-01-15. Review status: criteria provided, single submitter. Criteria: GeneDx Variant Classification (06012015). Collection method: clinical testing. Allele origin: germline. Affected: yes.
Comment: This variant is considered likely benign or benign based on one or more of the following criteria: it is a conservative change, it occurs at a poorly conserved position in the protein, it is predicted to be benign by multiple in silico algorithms, and/or has population frequency not consistent with disease.

Breakthrough Genomics
Classification: Benign. Review status: criteria provided, single submitter. Criteria: ACMG Guidelines, 2015. Collection method: not provided. Allele origin: germline. Inheritance: Autosomal dominant inheritance. Affected: yes.

PreventionGenetics, part of Exact Sciences
Classification: Benign. Review status: criteria provided, single submitter. Criteria: ACMG Guidelines, 2015. Collection method: clinical testing. Allele origin: germline.

Genetic Services Laboratory, University of Chicago
Classification: Likely benign for AllHighlyPenetrant. Review status: no assertion criteria provided. Collection method: clinical testing. Allele origin: germline. Inheritance: Autosomal dominant inheritance. Not counted in ClinVar's aggregate classification.
Comment: Likely benign based on allele frequency in 1000 Genomes Project or ESP global frequency and its presence in a patient with a rare or unrelated disease phenotype. NOT Sanger confirmed.

NM_001101362.3(KBTBD13):c.1197C>T (p.Arg399=)

Gene: KBTBD13 (kelch repeat and BTB domain containing 13; plus strand). Cytogenetic location: 15q22.31.
Variant type: single nucleotide variant.
Coding change: c.1197C>T on transcript NM_001101362.3 (MANE Select); coding-DNA position 1197, C replaced by T.
Protein change: p.Arg399=; no amino-acid change (arginine 399 retained).
Molecular consequence: synonymous variant.
Genome position (GRCh38, 1-based): chr15:65,078,012, C>T. VCF-style: chr15-65078012-C-T. GRCh37 (hg19) VCF-style: chr15-65370350-C-T.
Other names: p.Arg399=.
Identifiers: ClinVar variation 129306 (VCV000129306.45), dbSNP rs150830358, ClinGen allele CA153234.